The following is an entry in ClinVar:

ClinVar aggregate classification (germline): Uncertain significance (1 of 4 stars; one submission).

Allele frequency attached by ClinVar (database versions not stated): ExAC 0.00007; gnomAD exomes 0.00008; TOPMed 0.00009; gnomAD 0.00012 and 0.00013; 1000 Genomes Project 30x 0.00031.

Submission:

Labcorp Genetics (formerly Invitae), Labcorp
Classification: Uncertain significance. Last evaluated: 2025-12-11. Review status: criteria provided, single submitter. Criteria: Invitae Variant Classification Sherloc (09022015). Collection method: clinical testing. Allele origin: germline.
Comment: This sequence change replaces histidine, which is basic and polar, with tyrosine, which is neutral and polar, at codon 7 of the FSCN2 protein (p.His7Tyr). This variant is present in population databases (rs782450097, gnomAD 0.02%). This missense change has been observed in individual(s) with autosomal dominant retinitis pigmentosa (PMID: 16280978). ClinVar contains an entry for this variant (Variation ID: 857253). An algorithm developed to predict the effect of missense changes on protein structure and function (PolyPhen-2) suggests that this variant is likely to be tolerated. In summary, the available evidence is currently insufficient to determine the role of this variant in disease. Therefore, it has been classified as a Variant of Uncertain Significance.

Literature cited by the submitters: PubMed 16280978.

NM_012418.4(FSCN2):c.19C>T (p.His7Tyr)

Gene: FSCN2 (fascin actin-bundling protein 2, retinal; plus strand). Cytogenetic location: 17q25.3.
Variant type: single nucleotide variant.
Coding change: c.19C>T on transcript NM_012418.4 (MANE Select); coding-DNA position 19, C replaced by T.
Protein change: p.His7Tyr; replaces histidine 7 with tyrosine.
Molecular consequence: missense variant.
Genome position (GRCh38, 1-based): chr17:81,528,550, C>T. VCF-style: chr17-81528550-C-T. GRCh37 (hg19) VCF-style: chr17-79495576-C-T.
Other names: c.19C>T, p.His7Tyr (NM_001077182.3); short protein forms H7Y.
Identifiers: ClinVar variation 857253 (VCV000857253.8), dbSNP rs782450097, ClinGen allele CA8836562.
Genomic context (GRCh38, chr17:81,528,550, plus strand): 5'-GGGCGCATCCCAGGCCCCTCCGGGGACCCGGCCAGCCTGAAGATGCCGACGAACGGCCTG[C>T]ACCAGGTGCTGAAGATCCAGTTTGGCCTCGTCAACGACACTGACCGCTACCTGACAGCTG-3'
Protein context (NP_036550.1, residues 1-17): MPTNGL[His7Tyr]QVLKIQFGLV